The following is an entry in ClinVar:

NM_007294.4(BRCA1):c.4920A>C (p.Thr1640=)

Gene: BRCA1 (BRCA1 DNA repair associated; minus strand). Cytogenetic location: 17q21.31.
Variant type: single nucleotide variant.
Coding change: c.4920A>C on transcript NM_007294.4 (MANE Select); coding-DNA position 4920, A replaced by C.
Protein change: p.Thr1640=; no amino-acid change (threonine 1640 retained).
Molecular consequence: synonymous variant. On other transcripts: intron variant (1).
Genome position (GRCh38, 1-based): chr17:43,070,994, T>G on the plus strand (A>C on the coding strand, the complement: BRCA1 is on the minus strand). VCF-style: chr17-43070994-T-G. GRCh37 (hg19) VCF-style: chr17-41223011-T-G.
Other names: c.1605A>C, p.Thr535= (NM_001408404.1, NM_001408473.1, NM_001408392.1 and 8 more transcripts); c.1602A>C, p.Thr534= (NM_001408406.1, NM_001408407.1, NM_001408408.1); c.1599A>C, p.Thr533= (NM_001408409.1); c.1536A>C, p.Thr512= (NM_001408410.1); c.1533A>C, p.Thr511= (NM_001408411.1); c.1530A>C, p.Thr510= (NM_001408412.1, NM_001408413.1, NM_001408414.1 and 2 more transcripts); c.1494A>C, p.Thr498= (NM_001408418.1, NM_001408419.1, NM_001408420.1); c.1491A>C, p.Thr497= (NM_001408421.1, NM_001408422.1, NM_001408423.1 and 1 more transcripts); and 71 more.
Identifiers: ClinVar variation 865685 (VCV000865685.3), dbSNP rs2052378025, ClinGen allele CA500231662.

Conditions:
Breast-ovarian cancer, familial, susceptibility to, 1 (BROVCA1). Also called: BRCA1 Hereditary Breast and Ovarian Cancer; OVARIAN CANCER, SUSCEPTIBILITY TO. Identifiers: Orphanet 145, MedGen C2676676, MONDO:0011450, OMIM 604370. Disease mechanism: loss of function.

Submission:

Brotman Baty Institute, University of Washington
No classification provided (evidence only). Condition: Breast-ovarian cancer, familial 1. Review status: no classification provided. Collection method: in vitro. Allele origin: not applicable. Functional consequence: function_uncertain_variant.
ClinVar note: "not provided" was previously submitted as the classification for the variant. However, the classification appeared to be based only on an observation of functional data so it was converted to no classification on 2025-07-30.